The following is an entry in ClinVar:

NM_016599.5(MYOZ2):c.29A>G (p.Gln10Arg)

Gene: MYOZ2 (myozenin 2; plus strand). Cytogenetic location: 4q26.
Variant type: single nucleotide variant.
Coding change: c.29A>G on transcript NM_016599.5 (MANE Select); coding-DNA position 29, A replaced by G.
Protein change: p.Gln10Arg; replaces glutamine 10 with arginine.
Molecular consequence: missense variant.
Genome position (GRCh38, 1-based): chr4:119,136,554, A>G. VCF-style: chr4-119136554-A-G. GRCh37 (hg19) VCF-style: chr4-120057709-A-G.
Other names: short protein forms Q10R.
Identifiers: ClinVar variation 45781 (VCV000045781.19), dbSNP rs76757102, ClinGen allele CA137040.

ClinVar aggregate classification (germline): Uncertain significance. Review status: criteria provided, multiple submitters, no conflicts (2 of 4 stars). 6 submissions from 6 submitters: Uncertain significance (6). Last evaluated 2022-03-14.

Conditions:
Cardiovascular phenotype. Identifiers: MedGen CN230736.
Cardiomyopathy (CMYO). Also called: Cardiomyopathies. Identifiers: Orphanet 167848, MedGen C0878544, MONDO:0004994, HP:0001638. Inheritance: Various modes of inheritance.
Hypertrophic cardiomyopathy 16. Identifiers: MedGen C3151204, MONDO:0013455, OMIM 613838.
Hypertrophic cardiomyopathy. Also called: HYPERTROPHIC MYOCARDIOPATHY. Identifiers: Orphanet 217569, MedGen C0007194, MeSH D002312, MONDO:0005045, HP:0001639.

Allele frequency attached by ClinVar (database versions not stated): TOPMed 0.00002.
gnomAD v4.1: 20 of 1,613,632 alleles (0.0012%); highest among the groups gnomAD compares: Non-Finnish European, 0.0017%; no homozygotes.

Submissions (6):

Labcorp Genetics (formerly Invitae), Labcorp
Classification: Uncertain significance for Hypertrophic cardiomyopathy. Last evaluated: 2022-03-14. Review status: criteria provided, single submitter. Criteria: Invitae Variant Classification Sherloc (09022015). Collection method: clinical testing. Allele origin: germline.
Comment: This sequence change replaces glutamine, which is neutral and polar, with arginine, which is basic and polar, at codon 10 of the MYOZ2 protein (p.Gln10Arg). This variant is present in population databases (rs76757102, gnomAD 0.004%). This missense change has been observed in individual(s) with hypertrophic cardiomyopathy (PMID: 27532257, 31513939). ClinVar contains an entry for this variant (Variation ID: 45781). Algorithms developed to predict the effect of missense changes on protein structure and function are either unavailable or do not agree on the potential impact of this missense change (SIFT: "Deleterious"; PolyPhen-2: "Benign"; Align-GVGD: "Class C0"). In summary, the available evidence is currently insufficient to determine the role of this variant in disease. Therefore, it has been classified as a Variant of Uncertain Significance.

Fulgent Genetics
Classification: Uncertain significance for Hypertrophic cardiomyopathy 16. Last evaluated: 2021-09-01. Review status: criteria provided, single submitter. Criteria: ACMG Guidelines, 2015. Collection method: clinical testing. Allele origin: unknown.

Center for Human Genetics, University of Leuven
Classification: Uncertain significance for Hypertrophic cardiomyopathy. Last evaluated: 2018-10-31. Review status: criteria provided, single submitter. Criteria: ACMG Guidelines, 2015. Collection method: clinical testing. Allele origin: germline. Affected: yes.

Ambry Genetics
Classification: Uncertain significance for Cardiovascular phenotype. Last evaluated: 2017-09-29. Review status: criteria provided, single submitter. Criteria: Ambry General Variant Classification Scheme_2022. Collection method: clinical testing. Allele origin: germline. Observed: 1 variant allele.
Comment: The p.Q10R variant (also known as c.29A>G), located in coding exon 1 of the MYOZ2 gene, results from an A to G substitution at nucleotide position 29. The glutamine at codon 10 is replaced by arginine, an amino acid with highly similar properties. This alteration was detected in a hypertrophic cardiomyopathy genetic testing cohort; however, clinical details were limited (Walsh R et al. Genet. Med., 2017 Feb;19:192-203). This amino acid position is well conserved in available vertebrate species. In addition, this alteration is predicted to be tolerated by in silico analysis. Since supporting evidence is limited at this time, the clinical significance of this alteration remains unclear.

CHEO Genetics Diagnostic Laboratory, Children's Hospital of Eastern Ontario
Classification: Uncertain significance for Cardiomyopathy. Last evaluated: 2016-02-03. Review status: criteria provided, single submitter. Criteria: ACMG Guidelines, 2015. Collection method: clinical testing. Allele origin: germline. Study: Canadian Open Genetics Repository.

Laboratory for Molecular Medicine, Mass General Brigham Personalized Medicine
Classification: Uncertain significance. Last evaluated: 2012-11-09. Review status: criteria provided, single submitter. Criteria: LMM Criteria. Collection method: clinical testing. Allele origin: germline. Observed: 1 variant allele.
Comment: The Gln10Arg variant in MYOZ2 has not been reported in the literature nor previo usly identified by our laboratory or in large and broad European American and Af rican American populations by the NHLBI Exome Sequencing Project (.). This low frequency is insufficient to determine its clinic al significance. Computational analyses (biochemical amino acid properties, cons ervation, AlignGVGD, PolyPhen2, and SIFT) do not provide strong support for or a gainst an impact to the protein. In summary, additional information is needed to fully assess the clinical significance of the Gln10Arg variant.

Literature cited by the submitters: PubMed 27532257 (cited by Labcorp Genetics (formerly Invitae), Labcorp and Ambry Genetics); PubMed 31513939 (cited by Labcorp Genetics (formerly Invitae), Labcorp).